The following is an entry in ClinVar:

ClinVar aggregate classification (germline): Likely benign. Review status: criteria provided, multiple submitters, no conflicts (2 of 4 stars). 6 submissions from 6 submitters: Likely benign (6). Last evaluated 2026-06-09.

Conditions:
ACTC1-related disorder. Also called: ACTC1-related condition.
Cardiovascular phenotype. Identifiers: MedGen CN230736.
Hypertrophic cardiomyopathy 11. Also called: ACTC1-Related Familial Hypertrophic Cardiomyopathy. Identifiers: MedGen C2677506, MONDO:0012799, OMIM 612098.
Atrial septal defect 5 (ASD5). Identifiers: Orphanet 1478, MedGen C2748552, MONDO:0013011, OMIM 612794.
Dilated cardiomyopathy 1R (CMD1R). Identifiers: Orphanet 154, Orphanet 54260, MedGen C3150681, MONDO:0013261, OMIM 613424.
Cardiomyopathy (CMYO). Also called: Cardiomyopathies. Identifiers: Orphanet 167848, MedGen C0878544, MONDO:0004994, HP:0001638. Inheritance: Various modes of inheritance.
Hypertrophic cardiomyopathy. Also called: HYPERTROPHIC MYOCARDIOPATHY. Identifiers: Orphanet 217569, MedGen C0007194, MeSH D002312, MONDO:0005045, HP:0001639.

Allele frequency attached by ClinVar (database versions not stated): 1000 Genomes Project 30x 0.00047; TOPMed below 0.00001; gnomAD exomes 0.00001; ExAC 0.00002; gnomAD 0.00002 and 0.00003; 1000 Genomes Project 0.00040.
gnomAD v4.1: 25 of 1,614,164 alleles (0.0015%); highest among the groups gnomAD compares: African/African-American, 0.0053%; no homozygotes.

Submissions (6):

Ambry Genetics
Classification: Likely benign for Cardiovascular phenotype. Last evaluated: 2026-06-09. Review status: criteria provided, single submitter. Criteria: Ambry Variant Classification Scheme 2023. Collection method: clinical testing. Allele origin: germline.

PreventionGenetics, part of Exact Sciences
Classification: Likely benign for ACTC1-related condition. Last evaluated: 2026-03-09. Review status: criteria provided, single submitter. Criteria: ACMG Guidelines, 2015. Collection method: clinical testing. Allele origin: germline.
Comment: This variant is classified as likely benign based on ACMG/AMP sequence variant interpretation guidelines (Richards et al. 2015 PMID: 25741868, with internal and published modifications).

Labcorp Genetics (formerly Invitae), Labcorp
Classification: Likely benign for Dilated cardiomyopathy 1R; Hypertrophic cardiomyopathy 11; Atrial septal defect 5. Last evaluated: 2025-12-01. Review status: criteria provided, single submitter. Criteria: Invitae Variant Classification Sherloc (09022015). Collection method: clinical testing. Allele origin: germline.

All of Us Research Program, National Institutes of Health
Classification: Likely benign for Hypertrophic cardiomyopathy. Last evaluated: 2023-11-30. Review status: criteria provided, single submitter. Criteria: ACMG Guidelines, 2015. Collection method: clinical testing. Allele origin: germline. Inheritance: Autosomal dominant inheritance. Observed: 3 variant alleles, 3 heterozygotes.
Comment: This study involves interpretation of variants in research participants for the purpose of population health screening. Participant phenotype was not available at the time of variant classification. Additional details can be found in publication PMID: 35346344, PMCID: PMC8962531

Blueprint Genetics
Classification: Likely benign. Last evaluated: 2023-01-25. Review status: criteria provided, single submitter. Criteria: ACMG Guidelines, 2015. Collection method: clinical testing. Allele origin: germline.

Color Diagnostics, LLC DBA Color Health
Classification: Likely benign for Cardiomyopathy. Last evaluated: 2019-03-08. Review status: criteria provided, single submitter. Criteria: ACMG Guidelines, 2015. Collection method: clinical testing. Allele origin: germline.

NM_005159.5(ACTC1):c.405C>T (p.Tyr135=)

Genes: ACTC1 (actin alpha cardiac muscle 1; minus strand), GJD2-DT (GJD2 divergent transcript; plus strand). Cytogenetic location: 15q14.
Variant type: single nucleotide variant.
Coding change: c.405C>T on transcript NM_005159.5 (MANE Select); coding-DNA position 405, C replaced by T.
Protein change: p.Tyr135=; no amino-acid change (tyrosine 135 retained).
Molecular consequence: synonymous variant.
Genome position (GRCh38, 1-based): chr15:34,793,294, G>A on the plus strand (C>T on the coding strand, the complement: ACTC1 is on the minus strand). VCF-style: chr15-34793294-G-A. GRCh37 (hg19) VCF-style: chr15-35085495-G-A.
Other names: c.405C>T (LRG_388t1).
Identifiers: ClinVar variation 416055 (VCV000416055.18), dbSNP rs181479041, ClinGen allele CA041778.